The following is an entry in ClinVar:

ClinVar aggregate classification (germline): Uncertain significance. Review status: criteria provided, multiple submitters, no conflicts (2 of 4 stars). 4 submissions from 4 submitters: Uncertain significance (4). Last evaluated 2025-07-22.

Conditions:
Lipoic acid synthetase deficiency. Also called: HYPERGLYCINEMIA, LACTIC ACIDOSIS, AND SEIZURES. Identifiers: Orphanet 401859, MedGen C3280887, MONDO:0013762, OMIM 614462.

Allele frequency attached by ClinVar (database versions not stated): gnomAD 0.00003 and 0.00002; TOPMed 0.00004; gnomAD exomes below 0.00001.
gnomAD v4.1: 4 of 1,608,600 alleles (0.00025%); highest among the groups gnomAD compares: African/African-American, 0.0027%; no homozygotes.

Submissions (4):

3billion
Classification: Uncertain significance for Lipoic acid synthetase deficiency. Last evaluated: 2025-07-22. Review status: criteria provided, single submitter. Criteria: ACMG Guidelines, 2015. Collection method: clinical testing. Allele origin: germline. Affected: yes.
Comment: The variant is observed at an extremely low frequency in the gnomAD v4.1.0 dataset (total allele frequency: <0.001%). Predicted Consequence/Location: Missense variant. The majority of the known disease-causing variants of this gene are variants expected to result in premature termination of the protein. Damaging effect on gene or gene product predicted by in silico programs is uncertain [REVEL: 0.47 (damaging >=0.6, benign <0.4), 3Cnet: 0.20 (damaging >0.75, benign <0.1)]. The variant has been reported as of uncertain significance (ClinVar ID: VCV000594895). Therefore, this variant is classified as VUS according to the recommendation of ACMG/AMP guideline.

Labcorp Genetics (formerly Invitae), Labcorp
Classification: Uncertain significance for Lipoic acid synthetase deficiency. Last evaluated: 2021-08-14. Review status: criteria provided, single submitter. Criteria: Invitae Variant Classification Sherloc (09022015). Collection method: clinical testing. Allele origin: germline.
Comment: This sequence change replaces methionine with valine at codon 293 of the LIAS protein (p.Met293Val). The methionine residue is moderately conserved and there is a small physicochemical difference between methionine and valine. This variant is not present in population databases (ExAC no frequency). This variant has not been reported in the literature in individuals affected with LIAS-related conditions. ClinVar contains an entry for this variant (Variation ID: 594895). Algorithms developed to predict the effect of missense changes on protein structure and function are either unavailable or do not agree on the potential impact of this missense change (SIFT: "Deleterious"; PolyPhen-2: "Benign"; Align-GVGD: "Class C0"). In summary, the available evidence is currently insufficient to determine the role of this variant in disease. Therefore, it has been classified as a Variant of Uncertain Significance.

Baylor Genetics
Classification: Uncertain significance for Lipoic acid synthetase deficiency. Last evaluated: 2019-05-01. Review status: criteria provided, single submitter. Criteria: ACMG Guidelines, 2015. Collection method: clinical testing. Allele origin: unknown. Affected: yes.
Comment: This variant was determined to be of uncertain significance according to ACMG Guidelines, 2015 [PMID:25741868].

Eurofins Ntd Llc (ga)
Classification: Uncertain significance. Last evaluated: 2017-11-17. Review status: criteria provided, single submitter. Criteria: EGL Classification Definitions 2015. Collection method: clinical testing. Allele origin: germline. Observed: 1 variant allele, 1 homozygote.

NM_006859.4(LIAS):c.877A>G (p.Met293Val)

Gene: LIAS (lipoic acid synthetase; plus strand). Cytogenetic location: 4p14.
Variant type: single nucleotide variant.
Coding change: c.877A>G on transcript NM_006859.4 (MANE Select); coding-DNA position 877, A replaced by G.
Protein change: p.Met293Val; replaces methionine 293 with valine.
Molecular consequence: missense variant.
Genome position (GRCh38, 1-based): chr4:39,470,158, A>G. VCF-style: chr4-39470158-A-G. GRCh37 (hg19) VCF-style: chr4-39471778-A-G.
Other names: c.748A>G, p.Met250Val (NM_001278590.2); c.568A>G, p.Met190Val (NM_001363700.2); c.877A>G, p.Met293Val (NM_194451.3); short protein forms M293V, M190V, M250V.
Identifiers: ClinVar variation 594895 (VCV000594895.12), dbSNP rs943564525, ClinGen allele CA95731542.